The following is an entry in ClinVar:

ClinVar aggregate classification (germline): Pathogenic. Review status: criteria provided, multiple submitters, no conflicts (2 of 4 stars). 14 submissions from 12 submitters: Pathogenic (10). 4 of the submissions do not count toward it. Last evaluated 2026-08-27.

Conditions:
Congenital myasthenic syndrome 16. Identifiers: Orphanet 590, MedGen C3280112, MONDO:0013620, OMIM 614198.
Hyperkalemic periodic paralysis. Also called: Gamstorp disease; Familial hyperkalemic periodic paralysis. Identifiers: Orphanet 682, MedGen C0238357, MONDO:0008224, OMIM 170500, HP:0007215.
Paramyotonia congenita of Von Eulenburg. Also called: Eulenburg disease; Myotonia congenita intermittens; Von Eulenburg paramyotonia congenita; Paramyotonia Congenita; PARALYSIS PERIODICA PARAMYOTONICA. Identifiers: Orphanet 684, MedGen C0221055, MONDO:0008195, OMIM 168300. Disease mechanism: loss of function.
Potassium-aggravated myotonia. Also called: MYOTONIA CONGENITA, ACETAZOLAMIDE-RESPONSIVE; MYOTONIA CONGENITA, ATYPICAL; Myotonia congenita, atypical, acetazolamide-responsive; SODIUM CHANNEL MUSCLE DISEASE. Identifiers: Orphanet 612, Orphanet 99734, Orphanet 99735, Orphanet 99736, MedGen C2931826, MONDO:0018959, OMIM 608390.
Congenital myopathy 22A, classic (CMYO22A). Identifiers: MedGen C5830453, MONDO:0957247, OMIM 620351.
Congenital myopathy 22B, severe fetal (CMYO22B). Identifiers: MedGen C5830501, MONDO:0957265, OMIM 620369.
Hypokalemic periodic paralysis, type 2 (HOKPP2). Identifiers: Orphanet 681, MedGen C2750061, MONDO:0013234, OMIM 613345.
SCN4A-related disorder. Also called: SCN4A-related disorders.
Hypokalemic periodic paralysis, type 1. Also called: HypoPP; Hypokalemic Periodic Paralysis Type 1 (AD). Identifiers: Orphanet 681, MedGen C3714580, MONDO:0042979, OMIM 170400.
Paramyotonia congenita/hyperkalemic periodic paralysis. Identifiers: MedGen C1858891.

Submissions (14):

PreventionGenetics, part of Exact Sciences
Classification: Pathogenic for SCN4A-related condition. Last evaluated: 2026-08-27. Review status: criteria provided, single submitter. Criteria: ACMG Guidelines, 2015. Collection method: clinical testing. Allele origin: germline.
Comment: The SCN4A c.4774A>G variant is predicted to result in the amino acid substitution p.Met1592Val. This variant has been reported in many unrelated individuals to be causative for autosomal dominant hyperkalemic periodic paralysis/paramyotonia congenita (Rojas et al. 1991. PubMed ID: 1659668; Kelly et al. 1997. PubMed ID: 9131651; Feng et al. 2011. PubMed ID: 21665479; Heine et al. 1993. PubMed ID: 8242056). Functional studies and a mouse model also support the pathogenicity of this variant (Lucas et al. 2014. PubMed ID: 24714718; Clausen et al. 2011. PubMed ID: 21708955). This variant has not been reported in a large population database (gnomAD), indicating this variant is rare. This variant is interpreted as pathogenic.

CeGaT Center for Human Genetics Tuebingen
Classification: Pathogenic. Last evaluated: 2026-02-01. Review status: criteria provided, single submitter. Criteria: CeGaT Center For Human Genetics Tuebingen Variant Classification Criteria Version 2. Collection method: clinical testing. Allele origin: germline. Affected: yes. Observed: 6 variant alleles.
Comment: SCN4A: PP1:Strong, PM1, PM2, PS3:Moderate, PS4:Moderate, PP3

Labcorp Genetics (formerly Invitae), Labcorp
Classification: Pathogenic for Hyperkalemic periodic paralysis. Last evaluated: 2026-01-21. Review status: criteria provided, single submitter. Criteria: Invitae Variant Classification Sherloc (09022015). Collection method: clinical testing. Allele origin: germline.
Comment: This sequence change replaces methionine, which is neutral and non-polar, with valine, which is neutral and non-polar, at codon 1592 of the SCN4A protein (p.Met1592Val). This variant is not present in population databases (gnomAD no frequency). This missense change has been observed in individual(s) with autosomal dominant SCN4A-related conditions (PMID: 1659668, 8242056, 9131651, 18046642, 21665479, 23801527, 24943082). It has also been observed to segregate with disease in related individuals. ClinVar contains an entry for this variant (Variation ID: 5897). Invitae Evidence Modeling of protein sequence and biophysical properties (such as structural, functional, and spatial information, amino acid conservation, physicochemical variation, residue mobility, and thermodynamic stability) indicates that this missense variant is expected to disrupt SCN4A protein function with a positive predictive value of 95%. Experimental studies have shown that this missense change affects SCN4A function (PMID: 24714718). For these reasons, this variant has been classified as Pathogenic.

Women's Health and Genetics/Laboratory Corporation of America, LabCorp
Classification: Pathogenic for Congenital myopathy 22A, classic. Last evaluated: 2025-05-13. Review status: criteria provided, single submitter. Criteria: LabCorp Variant Classification Summary - May 2015. Collection method: clinical testing. Allele origin: germline.
Comment: Variant summary: SCN4A c.4774A>G (p.Met1592Val) results in a conservative amino acid change in the encoded protein sequence. Algorithms developed to predict the effect of missense changes on protein structure and function are either unavailable or do not agree on the potential impact of this missense change. The variant was absent in 250100 control chromosomes (gnomAD). c.4774A>G has been observed in multiple individuals affected with clinical features of SCN4A-Related Disorder (Feero_1993, Miller_2004). These data indicate that the variant is very likely to be associated with disease. At least two publications reported experimental evidence evaluating an impact on protein function and this variant affected the SCN4A protein function (Feng_2009, Lucas_2014). The following publications have been ascertained in the context of this evaluation (PMID: 8385748, 19290024, 24714718, 15534250). ClinVar contains an entry for this variant (Variation ID: 5897). Based on the evidence outlined above, the variant was classified as pathogenic.

Fulgent Genetics
Classification: Pathogenic for Paramyotonia congenita of Von Eulenburg; Hyperkalemic periodic paralysis; Potassium-aggravated myotonia; Hypokalemic periodic paralysis, type 2; Congenital myasthenic syndrome 16; Congenital myopathy 22A, classic; Congenital myopathy 22B, severe fetal. Last evaluated: 2024-05-20. Review status: criteria provided, single submitter. Criteria: ACMG Guidelines, 2015. Collection method: clinical testing. Allele origin: germline.

Blueprint Genetics
Classification: Pathogenic for SCN4A-related disorders. Last evaluated: 2023-09-11. Review status: criteria provided, single submitter. Criteria: ACMG Guidelines, 2015. Collection method: clinical testing. Allele origin: germline. Affected: yes. Observed: 3 variant alleles.

GeneDx
Classification: Pathogenic. Last evaluated: 2023-02-02. Review status: criteria provided, single submitter. Criteria: GeneDx Variant Classification Process June 2021. Collection method: clinical testing. Allele origin: germline. Affected: yes.
Comment: Published functional studies demonstrate that the variant impairs slow inactivation of the sodium channel (Hayward et al., 1999); Not observed at significant frequency in large population cohorts (gnomAD); In silico analysis supports that this missense variant has a deleterious effect on protein structure/function; This variant is associated with the following publications: (PMID: 24943082, 19290024, 24714718, 21404612, 32327288, 1659668, 10227633, 31068157, 21665479, 32849172, 31567646, 29930533, 23801527, 18046642, 20301669)

Athena Diagnostics
Classification: Pathogenic. Last evaluated: 2021-12-21. Review status: criteria provided, single submitter. Criteria: Athena Diagnostics Criteria. Collection method: clinical testing. Allele origin: unknown.
Comment: This variant has not been reported in large, multi-ethnic general populations (Genome Aggregation Database (gnomAD), Cambridge, MA (URL)). This variant has been identified in multiple families and individuals with periodic paralysis, including at least one de novo case. This variant is primarily associated with cases presenting with hyperkalemic periodic paralysis (hyperKPP; PMID: 15534250), however rare cases of normokalemic periodic paralysis (normoKPP) are also reported (PMID: 29930533). Assessment of experimental evidence suggests this variant results in abnormal protein function. Patch-clamp studies demonstrate the variant modifies activation of mutant sodium channels (PMID: 9886942). Introduction of this variant in mice produces characteristics of hyperKPP (PMID: 18317596, 21708955, 24714718).

Mayo Clinic Laboratories, Mayo Clinic
Classification: Pathogenic. Last evaluated: 2020-08-21. Review status: criteria provided, single submitter. Criteria: ACMG Guidelines, 2015. Collection method: clinical testing. Allele origin: germline. Observed: 1 variant allele.
Comment: PS3, PS4_Moderate, PM2, PP1, PP3

Fulgent Genetics
Classification: Pathogenic for Paramyotonia congenita of Von Eulenburg; Hypokalemic periodic paralysis, type 1; Hyperkalemic periodic paralysis; Potassium-aggravated myotonia; Hypokalemic periodic paralysis, type 2; Congenital myasthenic syndrome 16. Last evaluated: 2018-10-31. Review status: criteria provided, single submitter. Criteria: ACMG Guidelines, 2015. Collection method: clinical testing. Allele origin: unknown.

Department of Neurology and Geriatrics, Kagoshima University Graduate School of Medical and Dental Sciences
Classification: Pathogenic for Hyperkalemic periodic paralysis. Last evaluated: 2022-04-12. Review status: no assertion criteria provided. Collection method: research. Allele origin: germline. Affected: yes. Not counted in ClinVar's aggregate classification.

OMIM
Classification: Pathogenic for HYPERKALEMIC PERIODIC PARALYSIS. Last evaluated: 1997-03-01. Review status: no assertion criteria provided. Collection method: literature only. Allele origin: germline. Not counted in ClinVar's aggregate classification.

OMIM
Classification: Pathogenic for PARAMYOTONIA CONGENITA/HYPERKALEMIC PERIODIC PARALYSIS. Last evaluated: 1997-03-01. Review status: no assertion criteria provided. Collection method: literature only. Allele origin: germline. Not counted in ClinVar's aggregate classification.

GeneReviews
No classification provided. Condition: Hyperkalemic periodic paralysis. Review status: no classification provided. Collection method: literature only. Allele origin: germline. Not counted in ClinVar's aggregate classification.

Literature cited by the submitters: PubMed 1659668 (cited by 3 submitters); PubMed 8242056 (cited by 3 submitters); PubMed 9131651 (cited by 3 submitters); PubMed 18046642 (cited by Labcorp Genetics (formerly Invitae), Labcorp and Athena Diagnostics); PubMed 21665479 (cited by 3 submitters); PubMed 23801527 (cited by 3 submitters); PubMed 24943082 (cited by Labcorp Genetics (formerly Invitae), Labcorp); PubMed 24714718 (cited by 4 submitters); PubMed 8385748 (cited by Women's Health and Genetics/Laboratory Corporation of America, LabCorp); PubMed 19290024 (cited by 3 submitters); PubMed 15534250 (cited by Women's Health and Genetics/Laboratory Corporation of America, LabCorp and Athena Diagnostics); PubMed 8382500 (cited by Athena Diagnostics); PubMed 18317596 (cited by Athena Diagnostics); PubMed 25348630 (cited by Athena Diagnostics); PubMed 7767090 (cited by Athena Diagnostics); PubMed 28325641 (cited by Athena Diagnostics); PubMed 22926674 (cited by Athena Diagnostics); PubMed 21387378 (cited by Athena Diagnostics); PubMed 8058156 (cited by Athena Diagnostics); PubMed 21708955 (cited by Athena Diagnostics); PubMed 9886942 (cited by Athena Diagnostics); PubMed 29930533 (cited by 3 submitters); PubMed 31068157 (cited by Athena Diagnostics); PubMed 21404612 (cited by Mayo Clinic Laboratories, Mayo Clinic); Rojas, C. V. Personal Communication. 1992. Pittsburgh, Pa. (cited by OMIM); PubMed 20301669 (cited by GeneReviews).

NM_000334.4(SCN4A):c.4774A>G (p.Met1592Val)

Genes: GH-LCR (growth hormone locus control region; plus strand), SCN4A (sodium voltage-gated channel alpha subunit 4; minus strand). Cytogenetic location: 17q23.3.
Variant type: single nucleotide variant.
Coding change: c.4774A>G on transcript NM_000334.4 (MANE Select); coding-DNA position 4774, A replaced by G.
Protein change: p.Met1592Val; replaces methionine 1592 with valine.
Molecular consequence: missense variant.
Genome position (GRCh38, 1-based): chr17:63,941,508, T>C on the plus strand (A>G on the coding strand, the complement: SCN4A is on the minus strand). VCF-style: chr17-63941508-T-C. GRCh37 (hg19) VCF-style: chr17-62018868-T-C.
Other names: short protein forms M1592V.
Identifiers: ClinVar variation 5897 (VCV000005897.98), dbSNP rs80338962, ClinGen allele CA117834.
Genomic context (GRCh38, chr17:63,941,508, plus strand): 5'-GGGGCTCGCTGCTCTCCTCTGTGGCCACATTGAAGTTCTCCAGGATGATGGCGATGTACA[T>C]GTTGACCACGATGAGGAAGGAGATGATGATATAGCTGCAGAAGAAGCAGATGCCGATGGA-3'
Protein context (NP_000325.4, residues 1582-1602): IIISFLIVVN[Met1592Val]YIAIILENFN